The following is an entry in ClinVar:

ClinVar aggregate classification (germline): Uncertain significance (1 of 4 stars; one submission).

Allele frequency attached by ClinVar (database versions not stated): ExAC 0.00002; TOPMed 0.00002.
gnomAD v4.1: 26 of 1,614,076 alleles (0.0016%); highest among the groups gnomAD compares: Non-Finnish European, 0.0022%; no homozygotes.

Submission:

Labcorp Genetics (formerly Invitae), Labcorp
Classification: Uncertain significance. Last evaluated: 2023-06-09. Review status: criteria provided, single submitter. Criteria: Invitae Variant Classification Sherloc (09022015). Collection method: clinical testing. Allele origin: germline.
Comment: In summary, the available evidence is currently insufficient to determine the role of this variant in disease. Therefore, it has been classified as a Variant of Uncertain Significance. Advanced modeling of protein sequence and biophysical properties (such as structural, functional, and spatial information, amino acid conservation, physicochemical variation, residue mobility, and thermodynamic stability) performed at Invitae indicates that this missense variant is not expected to disrupt PRPF6 protein function. ClinVar contains an entry for this variant (Variation ID: 1936919). This variant has not been reported in the literature in individuals affected with PRPF6-related conditions. This variant is present in population databases (rs775954671, gnomAD 0.003%). This sequence change replaces valine, which is neutral and non-polar, with leucine, which is neutral and non-polar, at codon 200 of the PRPF6 protein (p.Val200Leu).

NM_012469.4(PRPF6):c.598G>C (p.Val200Leu)

Gene: PRPF6 (pre-mRNA processing factor 6; plus strand). Cytogenetic location: 20q13.33.
Variant type: single nucleotide variant.
Coding change: c.598G>C on transcript NM_012469.4 (MANE Select); coding-DNA position 598, G replaced by C.
Protein change: p.Val200Leu; replaces valine 200 with leucine.
Molecular consequence: missense variant.
Genome position (GRCh38, 1-based): chr20:63,995,075, G>C. VCF-style: chr20-63995075-G-C. GRCh37 (hg19) VCF-style: chr20-62626428-G-C.
Other names: short protein forms V200L.
Identifiers: ClinVar variation 1936919 (VCV001936919.5), dbSNP rs775954671, ClinGen allele CA9971938.